The following is an entry in ClinVar:

NM_003172.4(SURF1):c.324-11T>G

Gene: SURF1 (SURF1 cytochrome c oxidase assembly factor; minus strand). Cytogenetic location: 9q34.2.
Variant type: single nucleotide variant.
Coding change: c.324-11T>G on transcript NM_003172.4 (MANE Select); 11 bases into the intron before coding-DNA position 324, T replaced by G.
Molecular consequence: intron variant.
Genome position (GRCh38, 1-based): chr9:133,353,951, A>C on the plus strand (T>G on the coding strand, the complement: SURF1 is on the minus strand). VCF-style: chr9-133353951-A-C. GRCh37 (hg19) VCF-style: chr9-136220806-A-C.
Other names: c.324-11T>G (NM_003172.3); c.-4-11T>G (NM_001280787.1).
Identifiers: ClinVar variation 215232 (VCV000215232.17), dbSNP rs375398247, ClinGen allele CA323008.

ClinVar aggregate classification (germline): Pathogenic/Likely pathogenic. Review status: criteria provided, multiple submitters, no conflicts (2 of 4 stars). 8 submissions from 8 submitters: Pathogenic (4); Likely pathogenic (3). 1 of the submissions does not count toward it. Last evaluated 2026-01-05.

Conditions:
Leigh syndrome (NULS). Also called: Leigh's syndrome; Leigh's necrotizing encephalopathy; Leigh's disease; Leigh Disease; Subacute necrotizing encephalopathy; Necrotizing encephalopathy infantile subacute of Leigh. Identifiers: Orphanet 506, MedGen C2931891, MONDO:0009723, OMIM 256000.
Mitochondrial complex IV deficiency, nuclear type 1 (MC4DN1). Also called: Mitochondrial complex IV deficiency; Complex 4 mitochondrial respiratory chain deficiency; Deficiency of mitochondrial respiratory chain complex4; Complex IV deficiency; COX DEFICIENCY. Identifiers: MedGen C5435656, MONDO:0700250, OMIM 220110. Disease mechanism: loss of function.

gnomAD v4.1: 16 of 1,613,764 alleles (0.00099%); highest among the groups gnomAD compares: South Asian, 0.018%; no homozygotes.

Submissions (8):

Labcorp Genetics (formerly Invitae), Labcorp
Classification: Pathogenic for Leigh syndrome. Last evaluated: 2026-01-05. Review status: criteria provided, single submitter. Criteria: Invitae Variant Classification Sherloc (09022015). Collection method: clinical testing. Allele origin: germline.
Comment: This sequence change falls in intron 4 of the SURF1 gene. It does not directly change the encoded amino acid sequence of the SURF1 protein. This variant is present in population databases (rs375398247, gnomAD 0.01%). This variant has been observed in individuals with clinical features of Leigh syndrome due to mitochondrial complex IV deficiency (PMID: 22488715, 23829769). ClinVar contains an entry for this variant (Variation ID: 215232). Algorithms developed to predict the effect of sequence changes on RNA splicing suggest that this variant may disrupt the consensus splice site. For these reasons, this variant has been classified as Pathogenic.

Foundation for Research in Genetics and Endocrinology, FRIGE's Institute of Human Genetics
Classification: Likely pathogenic for Mitochondrial complex IV deficiency, nuclear type 1. Last evaluated: 2025-02-17. Review status: criteria provided, single submitter. Criteria: ACMG Guidelines, 2015. Collection method: clinical testing. Allele origin: germline. Inheritance: Autosomal recessive inheritance. Affected: yes. Observed: 1 homozygote.
Comment: A homozygous 3’splice site variation in intron 5 of the SURF1 gene that affects the invariant AG acceptor splice site upstream of exon 6 was detected. The observed variant c.324-11 has not been reported in the 1000 genomes and has a MAF of 0.001% in the gnomAD database. The variant has previously been reported in multiple individuals with clinical features of Leigh syndrome and is also reported in the ClinVar database (VCV00215232.11). The in-silico prediction is splice-altering by SpliceAI. In summary, the variant meets our criteria to be classified as likely pathogenic.

Women's Health and Genetics/Laboratory Corporation of America, LabCorp
Classification: Pathogenic for Leigh syndrome. Last evaluated: 2024-09-30. Review status: criteria provided, single submitter. Criteria: LabCorp Variant Classification Summary - May 2015. Collection method: clinical testing. Allele origin: germline.
Comment: Variant summary: SURF1 c.324-11T>G alters a non-conserved nucleotide located at a position not widely known to affect splicing. Several computational tools predict a significant impact on normal splicing: Three predict the variant abolishes a 3' acceptor site. One predict the variant weakens a 3' acceptor site. Three predict the variant creates a 3' acceptor site. However, these predictions have yet to be confirmed by functional studies. The variant allele was found at a frequency of 1.6e-05 in 251118 control chromosomes. c.324-11T>G has been reported in the literature in multiple individuals affected with Leigh Syndrome (e.g. Wedatilake_2013, Lee_2012). These data indicate that the variant is very likely to be associated with disease. To our knowledge, no experimental evidence demonstrating an impact on protein function has been reported. The following publications have been ascertained in the context of this evaluation (PMID: 22488715, 23829769). ClinVar contains an entry for this variant (Variation ID: 215232). Based on the evidence outlined above, the variant was classified as pathogenic.

3billion
Classification: Likely pathogenic for Mitochondrial complex IV deficiency, nuclear type 1. Last evaluated: 2024-08-16. Review status: criteria provided, single submitter. Criteria: ACMG Guidelines, 2015. Collection method: clinical testing. Allele origin: germline. Affected: yes.
Comment: The variant is observed at an extremely low frequency in the gnomAD v4.0.0 dataset (total allele frequency: 0.001%). Predicted Consequence/Location: Intron variant In silico tools predict the variant to alter splicing and produce an abnormal transcript [SpliceAI: 0.96 (>=0.2, moderate evidence for spliceogenicity)]. The variant has been observed in at least two similarly affected unrelated individuals (PMID: 23829769). The variant has been reported to be in trans with a pathogenic variant as either compound heterozygous or homozygous in at least one similarly affected unrelated individual (PMID: 22488715). The variant has been reported to be associated with SURF1 related disorder (ClinVar ID: VCV000215232 /PMID: 22488715). Therefore, this variant is classified as Likely pathogenic according to the recommendation of ACMG/AMP guideline.

Revvity Omics, Revvity
Classification: Likely pathogenic. Last evaluated: 2024-03-15. Review status: criteria provided, single submitter. Criteria: ACMG Guidelines, 2015. Collection method: clinical testing. Allele origin: germline.

GeneDx
Classification: Pathogenic. Last evaluated: 2023-05-24. Review status: criteria provided, single submitter. Criteria: GeneDx Variant Classification Process June 2021. Collection method: clinical testing. Allele origin: germline. Affected: yes.
Comment: Not observed at significant frequency in large population cohorts (gnomAD); In silico analysis supports a deleterious effect on splicing; This variant is associated with the following publications: (PMID: 30283815, 35693685, 27475922, 34220073, 22488715, 34302356, 23829769)

Lifecell International Pvt. Ltd
Classification: Pathogenic for Mitochondrial complex IV deficiency, nuclear type 1. Review status: criteria provided, single submitter. Criteria: ACMG Guidelines, 2015. Collection method: clinical testing. Allele origin: germline. Inheritance: Autosomal recessive inheritance. Affected: yes. Observed: 1 homozygote.
Comment: A Homozygote Intron variant c.324-11T>G in Exon 4 of the SURF1 gene that results in the amino acid substitution was identified. The observed variant has a minor allele frequency of 0.00002/0% in gnomAD exomes and genomes, respectively. The severity of the impact of this variant on the protein is high, based on the effect of the protein and REVEL score . Rare Exome Variant Ensemble Learner (REVEL) is an ensembl method for predicting the pathogenicity of missense variants based on a combination of scores from 13 individual tools: MutPred, FATHMM v2.3, VEST 3.0, PolyPhen-2, SIFT, PROVEAN, MutationAssessor, MutationTaster, LRT, GERP++, SiPhy, phyloP, and phastCons. The REVEL score for an individual missense variant can range from 0 to 1, with higher scores reflecting greater likelihood that the variant is disease-causing. ClinVar has also classified this variant as Pathogenic (Variant ID: 215232). This variant has been reported in association with atypical Leigh syndrome (Wedatilake Y et al., 2013 and Finsterer J et al., 2022). Based on the above evidence this variant has been classified as Pathogenic according to the ACMG guidelines.

Kasturba Medical College, Manipal, Kasturba Medical College, Manipal, Manipal Academy of Higher Education, Manipal, India
Classification: Uncertain significance for Mitochondrial complex IV deficiency, nuclear type 1. Review status: flagged submission. Criteria: ACMG Guidelines, 2015. Collection method: clinical testing. Allele origin: biparental. Inheritance: Autosomal recessive inheritance. Affected: yes. Observed: 1 variant allele, 1 homozygote. Not counted in ClinVar's aggregate classification.
ClinVar note: Reason: Outlier claim with insufficient supporting evidence

Literature cited by the submitters: PubMed 22488715 (cited by 3 submitters); PubMed 23829769 (cited by 4 submitters); PubMed 35693685 (cited by Lifecell International Pvt. Ltd).